The following is an entry in ClinVar:

NM_001349338.3(FOXP1):c.1276A>G (p.Thr426Ala)

Gene: FOXP1 (forkhead box P1; minus strand). Cytogenetic location: 3p13.
Variant type: single nucleotide variant.
Coding change: c.1276A>G on transcript NM_001349338.3 (MANE Select); coding-DNA position 1276, A replaced by G.
Protein change: p.Thr426Ala; replaces threonine 426 with alanine.
Molecular consequence: missense variant. On other transcripts: non-coding transcript variant (2).
Genome position (GRCh38, 1-based): chr3:70,977,900, T>C on the plus strand (A>G on the coding strand, the complement: FOXP1 is on the minus strand). VCF-style: chr3-70977900-T-C. GRCh37 (hg19) VCF-style: chr3-71027051-T-C.
Other names: c.1276A>G, p.Thr426Ala (NM_001244808.3, NM_001244810.2, NM_001244814.3 and 3 more transcripts); c.1048A>G, p.Thr350Ala (NM_001244812.3); c.976A>G, p.Thr326Ala (NM_001244813.3, NM_001244815.2, NM_001349342.3 and 1 more transcripts); c.973A>G, p.Thr325Ala (NM_001349337.2, NM_001349343.3, NM_001349344.3); c.1273A>G, p.Thr425Ala (NM_001349341.3); short protein forms T325A, T326A, T350A, T426A, T425A.
Identifiers: ClinVar variation 4698938 (VCV004698938.1).

ClinVar aggregate classification (germline): Uncertain significance (1 of 4 stars; one submission).

gnomAD v4.1: 13 of 1,613,940 alleles (0.00081%); highest among the groups gnomAD compares: East Asian, 0.0022%; no homozygotes.

Submission:

Labcorp Genetics (formerly Invitae), Labcorp
Classification: Uncertain significance. Last evaluated: 2025-11-28. Review status: criteria provided, single submitter. Criteria: Invitae Variant Classification Sherloc (09022015). Collection method: clinical testing. Allele origin: germline.
Comment: This sequence change replaces threonine, which is neutral and polar, with alanine, which is neutral and non-polar, at codon 426 of the FOXP1 protein (p.Thr426Ala). This variant is present in population databases (rs780881242, gnomAD 0.005%). This variant has not been reported in the literature in individuals affected with FOXP1-related conditions. Invitae Evidence Modeling of protein sequence and biophysical properties (such as structural, functional, and spatial information, amino acid conservation, physicochemical variation, residue mobility, and thermodynamic stability) indicates that this missense variant is not expected to disrupt FOXP1 protein function with a negative predictive value of 80%. In summary, the available evidence is currently insufficient to determine the role of this variant in disease. Therefore, it has been classified as a Variant of Uncertain Significance.